The following is an entry in ClinVar:

ClinVar aggregate classification (germline): Uncertain significance (1 of 4 stars; one submission).

Conditions:
Autosomal recessive limb-girdle muscular dystrophy type R18 (LGMDR18). Also called: MUSCULAR DYSTROPHY, LIMB-GIRDLE, AUTOSOMAL RECESSIVE 18; Autosomal recessive limb-girdle muscular dystrophy type 2S; Limb-girdle muscular dystrophy, type 2S. Identifiers: Orphanet 369840, MedGen C4517996, MONDO:0014144, OMIM 615356.

Allele frequency attached by ClinVar (database versions not stated): gnomAD exomes below 0.00001.
gnomAD v4.1: 1 of 1,605,346 alleles (0.000062%); highest among the groups gnomAD compares: Non-Finnish European, 0.000085%; no homozygotes.

Submission:

Labcorp Genetics (formerly Invitae), Labcorp
Classification: Uncertain significance for Autosomal recessive limb-girdle muscular dystrophy type R18. Last evaluated: 2026-01-14. Review status: criteria provided, single submitter. Criteria: Invitae Variant Classification Sherloc (09022015). Collection method: clinical testing. Allele origin: germline.
Comment: This sequence change replaces lysine, which is basic and polar, with asparagine, which is neutral and polar, at codon 873 of the TRAPPC11 protein (p.Lys873Asn). This variant is present in population databases (no rsID available, gnomAD 0.002%). This variant has not been reported in the literature in individuals affected with TRAPPC11-related conditions. ClinVar contains an entry for this variant (Variation ID: 940499). Invitae Evidence Modeling of protein sequence and biophysical properties (such as structural, functional, and spatial information, amino acid conservation, physicochemical variation, residue mobility, and thermodynamic stability) has been performed for this missense variant. However, the output from this modeling did not meet the statistical confidence thresholds required to predict the impact of this variant on TRAPPC11 protein function. In summary, the available evidence is currently insufficient to determine the role of this variant in disease. Therefore, it has been classified as a Variant of Uncertain Significance.

NM_021942.6(TRAPPC11):c.2619G>T (p.Lys873Asn)

Gene: TRAPPC11 (trafficking protein particle complex subunit 11; plus strand). Cytogenetic location: 4q35.1.
Variant type: single nucleotide variant.
Coding change: c.2619G>T on transcript NM_021942.6 (MANE Select); coding-DNA position 2619, G replaced by T.
Protein change: p.Lys873Asn; replaces lysine 873 with asparagine.
Molecular consequence: missense variant.
Genome position (GRCh38, 1-based): chr4:183,694,714, G>T. VCF-style: chr4-183694714-G-T. GRCh37 (hg19) VCF-style: chr4-184615867-G-T.
Other names: c.2619G>T, p.Lys873Asn (NM_199053.3); short protein forms K873N.
Identifiers: ClinVar variation 940499 (VCV000940499.2), dbSNP rs1260523372, ClinGen allele CA358872403.
Genomic context (GRCh38, chr4:183,694,714, plus strand): 5'-TCTTGTATATGTTTCTTACCTGATAAATACAACCGTTGAAGAAAAAGAAATTGTTTGCAA[G>T]TGTCACAAGGTATTTTTTTATAGCTACTTTATAAAGCATCATATGTGGAGTATTCCCATT-3'
Protein context (NP_068761.4, residues 863-883): TTVEEKEIVC[Lys873Asn]CHKDETVTIE